The following is an entry in ClinVar:

NM_021614.4(KCNN2):c.572C>T (p.Pro191Leu)

Gene: KCNN2 (potassium calcium-activated channel subfamily N member 2; plus strand). Cytogenetic location: 5q22.3.
Variant type: single nucleotide variant.
Coding change: c.572C>T on transcript NM_021614.4 (MANE Select); coding-DNA position 572, C replaced by T.
Protein change: p.Pro191Leu; replaces proline 191 with leucine.
Molecular consequence: missense variant. On other transcripts: non-coding transcript variant (1).
Genome position (GRCh38, 1-based): chr5:114,362,711, C>T. VCF-style: chr5-114362711-C-T. GRCh37 (hg19) VCF-style: chr5-113698408-C-T.
Other names: c.770C>T, p.Pro257Leu (NM_001372233.1); short protein forms P191L, P257L.
Identifiers: ClinVar variation 3341418 (VCV003341418.1).

ClinVar aggregate classification (germline): Uncertain significance (1 of 4 stars; one submission).

Conditions:
Neurodevelopmental disorder with or without variable movement or behavioral abnormalities (NEDMAB). Identifiers: MedGen C5676908, MONDO:0859225, OMIM 619725.

gnomAD v4.1: 58 of 1,498,672 alleles (0.0039%); highest among the groups gnomAD compares: African/African-American, 0.031%; 1 homozygote.

Submission:

Neuberg Centre For Genomic Medicine, NCGM
Classification: Uncertain significance for Neurodevelopmental disorder with or without variable movement or behavioral abnormalities. Last evaluated: 2023-05-20. Review status: criteria provided, single submitter. Criteria: ACMG Guidelines, 2015. Collection method: clinical testing. Allele origin: germline. Inheritance: Autosomal dominant inheritance. Affected: yes.
Comment: The missense c.572C>T (p.Pro191Leu) variant in the KCNN2 gene has not been reported previously as a pathogenic variant nor as a benign variant, to our knowledge. . This variant is reported with the allele frequency (0.006%) in the gnomAD Exomes. The amino acid Proline at position 191 is changed to a Leucine changing protein sequence and it might alter its composition and physico-chemical properties. Computational evidence (Polyphen -Benign, SIFT - Tolerated and MutationTaster - Disease causing) predicts conflicting evidence on protein structure and function for this variant. The amino acid change p.Pro191Leu in KCNN2 is predicted as conserved by GERP++. For these reasons, this variant has been classified as Uncertain Significance.